The following is an entry in ClinVar:

ClinVar aggregate classification (germline): Pathogenic (1 of 4 stars; one submission).

Conditions:
PLA2G6-associated neurodegeneration (PLAN). Also called: phospholipase A2-associated neurodegeneration. Identifiers: Orphanet 329303, MedGen CN204472, MONDO:0017998.

Submission:

Broad Center for Mendelian Genomics, Broad Institute of MIT and Harvard
Classification: Pathogenic for PLA2G6-associated neurodegeneration. Last evaluated: 2025-06-06. Review status: criteria provided, single submitter. Criteria: ACMG/ClinGen CNV Guidelines, 2019. Collection method: curation. Allele origin: unknown. Inheritance: Autosomal recessive inheritance.
Comment: The deletion in exons 5-6 of PLA2G6 was identified in 3 individuals with infantile neuroaxonal dystrophy (PMID: 20584031, 20226704), and has been identified in 0.003% (2/59086) of European (non-Finnish) chromosomes by the Genome Aggregation Database (gnomAD). Although this variant has been seen in the general population in a heterozygous state, its frequency is low enough to be consistent with a recessive carrier frequency. This variant has also been reported in ClinVar (VCV000030369.1) and has been interpreted as pathogenic by OMIM. Of the 3 affected individuals, 2 of those were homozygotes, and one was a compound heterozygote that carried a reported pathogenic variant in trans, which increases the likelihood that the deletion is pathogenic (VCV000030370.52; PMID: 20584031). This intragenic variant is not predicted to cause a frameshift, and is more likely to escape nonsense mediated decay (NMD) and result in a truncated protein. Loss of function of PLA2G6 is an established disease mechanism in autosomal recessive infantile neuroaxonal dystrophy. In summary, this variant meets criteria to be classified as pathogenic for autosomal recessive infantile neuroaxonal dystrophy. The ACMG/ClinGen evidence codes and points used in this curation are as follows: 1A: 0 points, 2E: 0.45 points, 3A: 0 points, 4E: 0.60 points, 5G: 0 points; Total: 1.05 points; Riggs 2020 (PMID: 31690835).

Literature cited by the submitters: PubMed 20226704; PubMed 20584031.

Single allele

Gene: PLA2G6 (phospholipase A2 group VI; minus strand). Cytogenetic location: 22q13.1.
Variant type: Deletion.
Identifiers: ClinVar variation 4056470 (VCV004056470.1).